The following is an entry in ClinVar:

ClinVar aggregate classification (germline): Uncertain significance. Review status: criteria provided, multiple submitters, no conflicts (2 of 4 stars). 2 submissions from 2 submitters: Uncertain significance (2). Last evaluated 2025-03-27.

Conditions:
Early Myoclonic Encephalopathy. Identifiers: MedGen C0270855.

Allele frequency attached by ClinVar (database versions not stated): gnomAD exomes below 0.00001; ExAC 0.00001.
gnomAD v4.1: 5 of 1,613,930 alleles (0.00031%); highest among the groups gnomAD compares: South Asian, 0.0011%; no homozygotes.

Submissions (2):

Ambry Genetics
Classification: Uncertain significance. Last evaluated: 2025-03-27. Review status: criteria provided, single submitter. Criteria: Ambry Variant Classification Scheme 2023. Collection method: clinical testing. Allele origin: germline.

Labcorp Genetics (formerly Invitae), Labcorp
Classification: Uncertain significance for Early Myoclonic Encephalopathy. Last evaluated: 2022-05-31. Review status: criteria provided, single submitter. Criteria: Invitae Variant Classification Sherloc (09022015). Collection method: clinical testing. Allele origin: germline.
Comment: This sequence change replaces proline, which is neutral and non-polar, with serine, which is neutral and polar, at codon 619 of the JMJD1C protein (p.Pro619Ser). This variant is present in population databases (rs778405940, gnomAD 0.003%). This variant has not been reported in the literature in individuals affected with JMJD1C-related conditions. Algorithms developed to predict the effect of missense changes on protein structure and function (SIFT, PolyPhen-2, Align-GVGD) all suggest that this variant is likely to be tolerated. In summary, the available evidence is currently insufficient to determine the role of this variant in disease. Therefore, it has been classified as a Variant of Uncertain Significance.

NM_032776.3(JMJD1C):c.1855C>T (p.Pro619Ser)

Gene: JMJD1C (jumonji domain containing 1C; minus strand). Cytogenetic location: 10q21.3.
Variant type: single nucleotide variant.
Coding change: c.1855C>T on transcript NM_032776.3 (MANE Select); coding-DNA position 1855, C replaced by T.
Protein change: p.Pro619Ser; replaces proline 619 with serine.
Molecular consequence: missense variant. On other transcripts: non-coding transcript variant (1).
Genome position (GRCh38, 1-based): chr10:63,214,312, G>A on the plus strand (C>T on the coding strand, the complement: JMJD1C is on the minus strand). VCF-style: chr10-63214312-G-A. GRCh37 (hg19) VCF-style: chr10-64974072-G-A.
Other names: c.1855C>T (NM_032776.1); c.1309C>T, p.Pro437Ser (NM_001282948.2, NM_001318154.2); c.991C>T, p.Pro331Ser (NM_001318153.2); c.1741C>T, p.Pro581Ser (NM_001322252.2); c.1198C>T, p.Pro400Ser (NM_001322254.2, NM_001322258.2); short protein forms P331S, P400S, P437S, P581S, P619S.
Identifiers: ClinVar variation 2130419 (VCV002130419.5), dbSNP rs778405940, ClinGen allele CA5518733.